The following is an entry in ClinVar:

ClinVar aggregate classification (germline): Likely benign. Review status: criteria provided, multiple submitters, no conflicts (2 of 4 stars). 5 submissions from 5 submitters: Likely benign (5). Last evaluated 2026-01-21.

Conditions:
Cardiovascular phenotype. Identifiers: MedGen CN230736.
Long QT syndrome (LQTS). Identifiers: MedGen C0023976, MeSH D008133, MONDO:0002442. Disease mechanism: loss of function. Inheritance: Various modes of inheritance.

Allele frequency attached by ClinVar (database versions not stated): ExAC 0.00001; gnomAD exomes 0.00001 and 0.00006; gnomAD 0.00004 and 0.00005; TOPMed 0.00005.
gnomAD v4.1: 94 of 1,614,082 alleles (0.0058%); highest among the groups gnomAD compares: Non-Finnish European, 0.0077%; no homozygotes.

Submissions (5):

Labcorp Genetics (formerly Invitae), Labcorp
Classification: Likely benign for Long QT syndrome. Last evaluated: 2026-01-21. Review status: criteria provided, single submitter. Criteria: Invitae Variant Classification Sherloc (09022015). Collection method: clinical testing. Allele origin: germline.

Women's Health and Genetics/Laboratory Corporation of America, LabCorp
Classification: Likely benign. Last evaluated: 2023-10-19. Review status: criteria provided, single submitter. Criteria: LabCorp Variant Classification Summary - May 2015. Collection method: clinical testing. Allele origin: germline.

Blueprint Genetics
Classification: Likely benign. Last evaluated: 2020-11-23. Review status: criteria provided, single submitter. Criteria: ACMG Guidelines, 2015. Collection method: clinical testing. Allele origin: germline.

Ambry Genetics
Classification: Likely benign for Cardiovascular phenotype. Last evaluated: 2017-08-14. Review status: criteria provided, single submitter. Criteria: Ambry Variant Classification Scheme 2023. Collection method: clinical testing. Allele origin: germline.

GeneDx
Classification: Likely benign. Last evaluated: 2017-08-14. Review status: criteria provided, single submitter. Criteria: GeneDx Variant Classification (06012015). Collection method: clinical testing. Allele origin: germline. Affected: yes.
Comment: This variant is considered likely benign or benign based on one or more of the following criteria: it is a conservative change, it occurs at a poorly conserved position in the protein, it is predicted to be benign by multiple in silico algorithms, and/or has population frequency not consistent with disease.

NM_001148.6(ANK2):c.2964G>T (p.Gly988=)

Gene: ANK2 (ankyrin 2; plus strand). Cytogenetic location: 4q26.
Variant type: single nucleotide variant.
Coding change: c.2964G>T on transcript NM_001148.6 (MANE Select); coding-DNA position 2964, G replaced by T.
Protein change: p.Gly988=; no amino-acid change (glycine 988 retained).
Molecular consequence: synonymous variant.
Genome position (GRCh38, 1-based): chr4:113,330,309, G>T. VCF-style: chr4-113330309-G-T. GRCh37 (hg19) VCF-style: chr4-114251465-G-T.
Other names: c.2937G>T, p.Gly979= (NM_001127493.3); c.2976G>T, p.Gly992= (NM_001354225.2); c.2964G>T, p.Gly988= (NM_001354228.2, NM_001354258.2, NM_020977.5); c.3042G>T, p.Gly1014= (NM_001354230.2, NM_001354237.2); c.3006G>T, p.Gly1002= (NM_001354231.2, NM_001354242.2); c.3000G>T, p.Gly1000= (NM_001354232.2); c.2961G>T, p.Gly987= (NM_001354235.2, NM_001354236.2, NM_001354246.2 and 1 more transcripts); c.2934G>T, p.Gly978= (NM_001354239.2, NM_001354252.2, NM_001354272.2); and 23 more.
Identifiers: ClinVar variation 413954 (VCV000413954.14), dbSNP rs779092487, ClinGen allele CA3050750.
Genomic context (GRCh38, chr4:113,330,309, plus strand): 5'-CCTGGTTAGTTTTATGGTGGATGCCCGAGGTGGTGCTATGCGAGGATGCAGACACAATGG[G>T]CTCCGAATCATTATTCCACCTCGGAAATGTACTGCTCCAACGCGAGTCACCTGCCGACTG-3'
Protein context (NP_001139.3, residues 978-998): GGAMRGCRHN[Gly988=]LRIIIPPRKC